The following is an entry in ClinVar:

NM_001166108.2(PALLD):c.3049G>A (p.Val1017Met)

Genes: CBR4 (carbonyl reductase 4; minus strand), PALLD (palladin, cytoskeletal associated protein; plus strand). Cytogenetic location: 4q32.3.
Variant type: single nucleotide variant.
Coding change: c.3049G>A on transcript NM_001166108.2 (MANE Select); coding-DNA position 3049, G replaced by A.
Protein change: p.Val1017Met; replaces valine 1017 with methionine.
Molecular consequence: missense variant.
Genome position (GRCh38, 1-based): chr4:168,921,732, G>A. VCF-style: chr4-168921732-G-A. GRCh37 (hg19) VCF-style: chr4-169842883-G-A.
Other names: c.1852G>A, p.Val618Met (NM_001166109.2); c.1537G>A, p.Val513Met (NM_001166110.2); c.877G>A, p.Val293Met (NM_001367567.1, NM_001367569.1); c.928G>A, p.Val310Met (NM_001367568.1, NM_001367570.1); c.2998G>A, p.Val1000Met (NM_016081.4); short protein forms V1000M, V618M, V310M, V513M, V1017M, V293M.
Identifiers: ClinVar variation 3413697 (VCV003413697.1).

ClinVar aggregate classification (germline): Uncertain significance (1 of 4 stars; one submission).

Submission:

Ambry Genetics
Classification: Uncertain significance. Last evaluated: 2024-11-21. Review status: criteria provided, single submitter. Criteria: Ambry Variant Classification Scheme 2023. Collection method: clinical testing. Allele origin: germline.
Comment: The p.V513M variant (also known as c.1537G>A), located in coding exon 8 of the PALLD gene, results from a G to A substitution at nucleotide position 1537. The valine at codon 513 is replaced by methionine, an amino acid with highly similar properties. This amino acid position is conserved. In addition, this alteration is predicted to be tolerated by in silico analysis. Based on the available evidence, the clinical significance of this variant remains unclear.